The following is an entry in ClinVar:

NM_001134793.2(HYLS1):c.520dup (p.Arg174fs)

Genes: HYLS1 (HYLS1 centriolar and ciliogenesis associated; plus strand), PUS3 (pseudouridine synthase 3; minus strand). Cytogenetic location: 11q24.2.
Variant type: Duplication.
Coding change: c.520dup on transcript NM_001134793.2 (MANE Select); coding-DNA position 520, one base duplicated (A; older notation c.520dupA).
Protein change: p.Arg174fs; shifts the reading frame from arginine 174.
Molecular consequence: frameshift variant. On other transcripts: intron variant (2).
Genome position (GRCh38, 1-based): chr11:125,899,888, A duplicated; the last of 3 consecutive A bases (chr11:125,899,886-125,899,888); duplicating any one gives the same sequence. VCF-style (leftmost placement, unchanged base first): chr11-125899885-C-CA. GRCh37 (hg19) VCF-style: chr11-125769780-C-CA.
Other names: c.520dup, p.Arg174fs (NM_001377269.1, NM_001377270.1, NM_001424364.1 and 1 more transcripts); c.-247+3284dup (NM_001271985.2); c.-47+3284dup (NM_031307.4); short protein forms R174fs.
Identifiers: ClinVar variation 4069616 (VCV004069616.2).

ClinVar aggregate classification (germline): Likely pathogenic (1 of 4 stars; one submission).

Conditions:
Hydrolethalus syndrome. Identifiers: Orphanet 2189, MedGen C2931104, MONDO:0006037.

Submission:

Natera, Inc.
Classification: Likely pathogenic for Hydrolethalus syndrome. Last evaluated: 2025-04-07. Review status: criteria provided, single submitter. Criteria: Natera Variant Classification Schema (03/2026). Collection method: clinical testing. Allele origin: germline.
Comment: The c.520dup variant in HYLS1 is a frameshift variant predicted to shift the reading frame beginning at codon 174 and leads to a stop codon 45 codons downstream. This variant is expected to result in nonsense mediated decay, truncation, or a dysfunctional protein product. This variant is rare in the general population with a frequency below the threshold expected for the associated phenotype(s). Given the available evidence, this variant is classified as Likely Pathogenic.